The following is an entry in ClinVar:

NM_000093.5(COL5A1):c.2592+293A>G

Gene: COL5A1 (collagen type V alpha 1 chain; plus strand). Cytogenetic location: 9q34.3.
Variant type: single nucleotide variant.
Coding change: c.2592+293A>G on transcript NM_000093.5 (MANE Select); 293 bases into the intron after coding-DNA position 2592, A replaced by G.
Molecular consequence: intron variant.
Genome position (GRCh38, 1-based): chr9:134,785,389, A>G. VCF-style: chr9-134785389-A-G. GRCh37 (hg19) VCF-style: chr9-137677235-A-G.
Other names: c.2592+293A>G (NM_001278074.1).
Identifiers: ClinVar variation 683373 (VCV000683373.1), dbSNP rs12004736, ClinGen allele CA201105304.

ClinVar aggregate classification (germline): Benign (1 of 4 stars; one submission).

Allele frequency attached by ClinVar (database versions not stated): TOPMed 0.08536; 1000 Genomes Project 30x 0.08682; gnomAD 0.08587; 1000 Genomes Project 0.08706.
gnomAD v4.1: 12,536 of 151,806 alleles (8.3%); highest among the groups gnomAD compares: African/African-American, 17%; 784 homozygotes.

Submission:

GeneDx
Classification: Benign. Last evaluated: 2018-06-14. Review status: criteria provided, single submitter. Criteria: GeneDx Variant Classification (06012015). Collection method: clinical testing. Allele origin: germline. Affected: yes.
Comment: This variant is considered likely benign or benign based on one or more of the following criteria: it is a conservative change, it occurs at a poorly conserved position in the protein, it is predicted to be benign by multiple in silico algorithms, and/or has population frequency not consistent with disease.